The following is an entry in ClinVar:

NM_005996.4(TBX3):c.1894G>C (p.Gly632Arg)

Gene: TBX3 (T-box transcription factor 3; minus strand). Cytogenetic location: 12q24.21.
Variant type: single nucleotide variant.
Coding change: c.1894G>C on transcript NM_005996.4 (MANE Select); coding-DNA position 1894, G replaced by C.
Protein change: p.Gly632Arg; replaces glycine 632 with arginine.
Molecular consequence: missense variant.
Genome position (GRCh38, 1-based): chr12:114,672,119, C>G on the plus strand (G>C on the coding strand, the complement: TBX3 is on the minus strand). VCF-style: chr12-114672119-C-G. GRCh37 (hg19) VCF-style: chr12-115109924-C-G.
Other names: c.1954G>C, p.Gly652Arg (NM_016569.4); short protein forms G632R, G652R.
Identifiers: ClinVar variation 4983147 (VCV004983147.1).

ClinVar aggregate classification (germline): Uncertain significance (1 of 4 stars; one submission).

Conditions:
TBX3-related disorder. Also called: TBX3-related condition.

Submission:

PreventionGenetics, part of Exact Sciences
Classification: Uncertain significance for TBX3-related condition. Last evaluated: 2024-12-30. Review status: criteria provided, single submitter. Criteria: ACMG Guidelines, 2015. Collection method: clinical testing. Allele origin: germline.
Comment: The TBX3 c.1954G>C variant is predicted to result in the amino acid substitution p.Gly652Arg. To our knowledge, this variant has not been reported in the literature or in a large population database (gnomAD), indicating this variant is rare. At this time, the clinical significance of this variant is uncertain due to the absence of conclusive functional and genetic evidence.